The following is an entry in ClinVar:

ClinVar aggregate classification (germline): Likely benign. Review status: criteria provided, single submitter (1 of 4 stars). 2 submissions from 2 submitters: Likely benign (1). 1 of the submissions does not count toward it. Last evaluated 2025-07-23.

Conditions:
Bardet-Biedl syndrome 16 (BBS16). Identifiers: Orphanet 110, MedGen C3889474, MONDO:0014444, OMIM 615993.
Senior-Loken syndrome 7 (SLSN7). Identifiers: Orphanet 3156, MedGen C3150877, MONDO:0013326, OMIM 613615.
SDCCAG8-related disorder. Also called: SDCCAG8-Related Disorders; SDCCAG8-related condition.

Allele frequency attached by ClinVar (database versions not stated): gnomAD exomes 0.00002; TOPMed 0.00002; ExAC 0.00003; gnomAD 0.00003.
gnomAD v4.1: 26 of 1,613,860 alleles (0.0016%); highest among the groups gnomAD compares: South Asian, 0.0055%; no homozygotes.

Submissions (2):

Labcorp Genetics (formerly Invitae), Labcorp
Classification: Likely benign for Bardet-Biedl syndrome 16; Senior-Loken syndrome 7. Last evaluated: 2025-07-23. Review status: criteria provided, single submitter. Criteria: Invitae Variant Classification Sherloc (09022015). Collection method: clinical testing. Allele origin: germline.

PreventionGenetics, part of Exact Sciences
Classification: Likely benign for SDCCAG8-related condition. Last evaluated: 2024-03-26. Review status: no assertion criteria provided. Collection method: clinical testing. Allele origin: germline. Not counted in ClinVar's aggregate classification.
Comment: This variant is classified as likely benign based on ACMG/AMP sequence variant interpretation guidelines (Richards et al. 2015 PMID: 25741868, with internal and published modifications).

NM_006642.5(SDCCAG8):c.471C>T (p.Asn157=)

Gene: SDCCAG8 (SHH signaling and ciliogenesis regulator SDCCAG8; plus strand). Cytogenetic location: 1q43.
Variant type: single nucleotide variant.
Coding change: c.471C>T on transcript NM_006642.5 (MANE Select); coding-DNA position 471, C replaced by T.
Protein change: p.Asn157=; no amino-acid change (asparagine 157 retained).
Molecular consequence: synonymous variant. On other transcripts: 5 prime UTR variant (3).
Genome position (GRCh38, 1-based): chr1:243,286,322, C>T. VCF-style: chr1-243286322-C-T. GRCh37 (hg19) VCF-style: chr1-243449624-C-T.
Other names: c.471C>T (NM_006642.3); c.-642C>T (NM_001350246.2); c.-530C>T (NM_001350247.2); c.471C>T, p.Asn157= (NM_001350248.2); c.177C>T, p.Asn59= (NM_001350249.2); c.-903C>T (NM_001350251.2).
Identifiers: ClinVar variation 1924585 (VCV001924585.6), dbSNP rs769881390, ClinGen allele CA1483318.